The following is an entry in ClinVar:

NM_024675.4(PALB2):c.262C>T (p.Leu88Phe)

Gene: PALB2 (partner and localizer of BRCA2; minus strand). Cytogenetic location: 16p12.2.
Variant type: single nucleotide variant.
Coding change: c.262C>T on transcript NM_024675.4 (MANE Select); coding-DNA position 262, C replaced by T.
Protein change: p.Leu88Phe; replaces leucine 88 with phenylalanine.
Molecular consequence: missense variant.
Genome position (GRCh38, 1-based): chr16:23,636,284, G>A on the plus strand (C>T on the coding strand, the complement: PALB2 is on the minus strand). VCF-style: chr16-23636284-G-A. GRCh37 (hg19) VCF-style: chr16-23647605-G-A.
Other names: short protein forms L88F.
Identifiers: ClinVar variation 492194 (VCV000492194.15), dbSNP rs730881901, ClinGen allele CA395138878.
Genomic context (GRCh38, chr16:23,636,284, plus strand): 5'-TAAAGGACTCAGGCCCAACATCAAGTGTGATAGATGTCTTTTCTCCAGTTTCTTCATCAA[G>A]ATGGGTTTTGATGTGTAACTTGTCATAAACACATATTTTATTTTTAGGTTCTGAGGAGGA-3'
Protein context (NP_078951.2, residues 78-98): VYDKLHIKTH[Leu88Phe]DEETGEKTSI

ClinVar aggregate classification (germline): Uncertain significance. Review status: criteria provided, multiple submitters, no conflicts (2 of 4 stars). 2 submissions from 2 submitters: Uncertain significance (2). Last evaluated 2024-12-21.

Conditions:
Hereditary cancer-predisposing syndrome. Also called: Hereditary neoplastic syndrome; Tumor predisposition; Hereditary Cancer Syndrome; Neoplastic Syndromes, Hereditary. Identifiers: Orphanet 140162, MedGen C0027672, MeSH D009386, MONDO:0015356.
Familial cancer of breast. Also called: Hereditary breast cancer; hereditary breast carcinoma; BREAST CANCER, FAMILIAL. Identifiers: Orphanet 227535, MedGen C0346153, MONDO:0016419, OMIM 114480. Disease mechanism: loss of function.

Submissions (2):

Labcorp Genetics (formerly Invitae), Labcorp
Classification: Uncertain significance for Familial cancer of breast. Last evaluated: 2024-12-21. Review status: criteria provided, single submitter. Criteria: Invitae Variant Classification Sherloc (09022015). Collection method: clinical testing. Allele origin: germline.
Comment: This sequence change replaces leucine, which is neutral and non-polar, with phenylalanine, which is neutral and non-polar, at codon 88 of the PALB2 protein (p.Leu88Phe). This variant is not present in population databases (gnomAD no frequency). This missense change has been observed in individual(s) with PALB2-related conditions (PMID: 23935836). ClinVar contains an entry for this variant (Variation ID: 492194). An algorithm developed to predict the effect of missense changes on protein structure and function (PolyPhen-2) suggests that this variant is likely to be disruptive. In summary, the available evidence is currently insufficient to determine the role of this variant in disease. Therefore, it has been classified as a Variant of Uncertain Significance.

Color Diagnostics, LLC DBA Color Health
Classification: Uncertain significance for Hereditary cancer-predisposing syndrome. Last evaluated: 2024-06-25. Review status: criteria provided, single submitter. Criteria: ACMG Guidelines, 2015. Collection method: clinical testing. Allele origin: germline.
Comment: This missense variant replaces leucine with phenylalanine at codon 88 of the PALB2 protein. Computational prediction suggests that this variant may not impact protein structure and function (internally defined REVEL score threshold <= 0.5, PMID: 27666373). To our knowledge, functional studies have not been reported for this variant. This variant has been reported in a family affected with breast, ovarian, and pancreatic cancer who did not carry BRCA1 or BRCA2 variants (PMID: 23935836). This variant has not been identified in the general population by the Genome Aggregation Database (gnomAD). The available evidence is insufficient to determine the role of this variant in disease conclusively. Therefore, this variant is classified as a Variant of Uncertain Significance.

Literature cited by the submitters: PubMed 23935836 (cited by Labcorp Genetics (formerly Invitae), Labcorp and Color Diagnostics, LLC DBA Color Health).